The following is an entry in ClinVar:

NM_198525.3(KIF7):c.2362A>G (p.Arg788Gly)

Gene: KIF7 (kinesin family member 7; minus strand). Cytogenetic location: 15q26.1.
Variant type: single nucleotide variant.
Coding change: c.2362A>G on transcript NM_198525.3 (MANE Select); coding-DNA position 2362, A replaced by G.
Protein change: p.Arg788Gly; replaces arginine 788 with glycine.
Molecular consequence: missense variant.
Genome position (GRCh38, 1-based): chr15:89,642,235, T>C on the plus strand (A>G on the coding strand, the complement: KIF7 is on the minus strand). VCF-style: chr15-89642235-T-C. GRCh37 (hg19) VCF-style: chr15-90185466-T-C.
Other names: short protein forms R788G.
Identifiers: ClinVar variation 3776594 (VCV003776594.1).

ClinVar aggregate classification (germline): Uncertain significance (1 of 4 stars; one submission).

gnomAD v4.1: 1 of 1,610,568 alleles (0.000062%); highest among the groups gnomAD compares: Non-Finnish European, 0.000085%; no homozygotes.

Submission:

GeneDx
Classification: Uncertain significance. Last evaluated: 2024-10-05. Review status: criteria provided, single submitter. Criteria: GeneDx Variant Classification Process June 2021. Collection method: clinical testing. Allele origin: germline. Affected: yes.
Comment: Not observed at significant frequency in large population cohorts (gnomAD); In silico analysis supports that this missense variant has a deleterious effect on protein structure/function; Has not been previously published as pathogenic or benign to our knowledge